The following is an entry in ClinVar:

ClinVar aggregate classification (germline): Likely benign (0 of 4 stars; one submission).

Conditions:
IARS1-related disorder. Also called: IARS1-related condition.

Submission:

PreventionGenetics, part of Exact Sciences
Classification: Likely benign for IARS1-related condition. Last evaluated: 2019-03-12. Review status: no assertion criteria provided. Collection method: clinical testing. Allele origin: germline.
Comment: This variant is classified as likely benign based on ACMG/AMP sequence variant interpretation guidelines (Richards et al. 2015 PMID: 25741868, with internal and published modifications).

NM_002161.6(IARS1):c.1572T>C (p.Phe524=)

Gene: IARS1 (isoleucyl-tRNA synthetase 1; minus strand). Cytogenetic location: 9q22.31.
Variant type: single nucleotide variant.
Coding change: c.1572T>C on transcript NM_002161.6 (MANE Select); coding-DNA position 1572, T replaced by C.
Protein change: p.Phe524=; no amino-acid change (phenylalanine 524 retained).
Molecular consequence: synonymous variant. On other transcripts: non-coding transcript variant (1).
Genome position (GRCh38, 1-based): chr9:92,265,057, A>G on the plus strand (T>C on the coding strand, the complement: IARS1 is on the minus strand). VCF-style: chr9-92265057-A-G. GRCh37 (hg19) VCF-style: chr9-95027339-A-G.
Other names: c.1572T>C, p.Phe524= (NM_001374299.1, NM_001374300.1, NM_001374301.1 and 14 more transcripts); c.1635T>C, p.Phe545= (NM_001378569.1); c.1593T>C, p.Phe531= (NM_001378571.1); c.1449T>C, p.Phe483= (NM_001378583.1).
Identifiers: ClinVar variation 3058235 (VCV003058235.2), dbSNP rs2490715050, ClinGen allele CA466006990.